The following is an entry in ClinVar:

NM_078629.4(MSL3):c.1489G>A (p.Asp497Asn)

Gene: MSL3 (MSL complex subunit 3; plus strand). Cytogenetic location: Xp22.2.
Variant type: single nucleotide variant.
Coding change: c.1489G>A on transcript NM_078629.4 (MANE Select); coding-DNA position 1489, G replaced by A.
Protein change: p.Asp497Asn; replaces aspartic acid 497 with asparagine.
Molecular consequence: missense variant.
Genome position (GRCh38, 1-based): chrX:11,775,002, G>A. VCF-style: chrX-11775002-G-A. GRCh37 (hg19) VCF-style: chrX-11793121-G-A.
Other names: c.1453G>A, p.Asp485Asn (NM_001193270.2); c.1042G>A, p.Asp348Asn (NM_001282174.1); c.991G>A, p.Asp331Asn (NM_006800.4); short protein forms D331N, D348N, D485N, D497N.
Identifiers: ClinVar variation 1712681 (VCV001712681.3), dbSNP rs1200722153, ClinGen allele CA412067282.

ClinVar aggregate classification (germline): Uncertain significance (1 of 4 stars; one submission).

Allele frequency attached by ClinVar (database versions not stated): gnomAD exomes below 0.00001.

Submission:

GeneDx
Classification: Uncertain significance. Last evaluated: 2025-03-31. Review status: criteria provided, single submitter. Criteria: GeneDx Variant Classification Process June 2021. Collection method: clinical testing. Allele origin: germline.
Comment: In silico analysis supports that this missense variant has a deleterious effect on protein structure/function; Has not been previously published as pathogenic or benign to our knowledge